The following is an entry in ClinVar:

ClinVar aggregate classification (germline): Uncertain significance (1 of 4 stars; one submission).

Submission:

Labcorp Genetics (formerly Invitae), Labcorp
Classification: Uncertain significance. Last evaluated: 2022-07-06. Review status: criteria provided, single submitter. Criteria: Invitae Variant Classification Sherloc (09022015). Collection method: clinical testing. Allele origin: germline.
Comment: In summary, the available evidence is currently insufficient to determine the role of this variant in disease. Therefore, it has been classified as a Variant of Uncertain Significance. This variant has not been reported in the literature in individuals affected with MCM4-related conditions. This variant is a gross deletion of the genomic region encompassing exon(s) 8-12 of the MCM4 gene. This deletion is out-of-frame, and is expected to create a premature translational stop signal and result in an absent or disrupted protein product. However, the current clinical and genetic evidence is not sufficient to establish whether loss-of-function variants in MCM4 cause disease.

NC_000008.10:g.(?_48878727)_(48884048_?)del

Gene: MCM4 (minichromosome maintenance complex component 4; plus strand). Cytogenetic location: 8q11.21.
Variant type: Deletion.
Identifiers: ClinVar variation 1449657 (VCV001449657.7).